The following is an entry in ClinVar:

ClinVar aggregate classification (germline): Conflicting classifications of pathogenicity. Review status: criteria provided, conflicting classifications (1 of 4 stars). 4 submissions from 4 submitters: Uncertain significance (3); Benign (1). Last evaluated 2022-12-01.

Conditions:
Dilated cardiomyopathy 1DD (CMD1DD). Identifiers: Orphanet 154, MedGen C2750995, MONDO:0013168, OMIM 613172.

Allele frequency attached by ClinVar (database versions not stated): 1000 Genomes Project 0.00040; 1000 Genomes Project 30x 0.00047; gnomAD 0.00048 and 0.00049; TOPMed 0.00066.

Submissions (4):

CeGaT Center for Human Genetics Tuebingen
Classification: Benign. Last evaluated: 2022-12-01. Review status: criteria provided, single submitter. Criteria: CeGaT Center For Human Genetics Tuebingen Variant Classification Criteria Version 2. Collection method: clinical testing. Allele origin: germline. Affected: yes. Observed: 3 variant alleles.
Comment: RBM20: BS1, BS2

Fulgent Genetics
Classification: Uncertain significance for Dilated cardiomyopathy 1DD. Last evaluated: 2022-02-07. Review status: criteria provided, single submitter. Criteria: ACMG Guidelines, 2015. Collection method: clinical testing. Allele origin: unknown.

Illumina Laboratory Services, Illumina
Classification: Uncertain significance for Dilated cardiomyopathy 1DD. Last evaluated: 2018-01-12. Review status: criteria provided, single submitter. Criteria: ICSL Variant Classification Criteria 13 December 2019. Collection method: clinical testing. Allele origin: germline.

Breakthrough Genomics
Classification: Uncertain significance. Review status: criteria provided, single submitter. Criteria: ACMG Guidelines, 2015. Collection method: not provided. Allele origin: germline. Inheritance: Autosomal dominant inheritance. Affected: yes.

NM_001134363.3(RBM20):c.*1360G>A

Gene: RBM20 (RNA binding motif protein 20; plus strand). Cytogenetic location: 10q25.2.
Variant type: single nucleotide variant.
Coding change: c.*1360G>A on transcript NM_001134363.3 (MANE Select); 1360 bases downstream of the stop codon, G replaced by A.
Molecular consequence: 3 prime UTR variant.
Genome position (GRCh38, 1-based): chr10:110,837,338, G>A. VCF-style: chr10-110837338-G-A. GRCh37 (hg19) VCF-style: chr10-112597096-G-A.
Other names: c.*1360G>A (LRG_382t1).
Identifiers: ClinVar variation 298829 (VCV000298829.37), dbSNP rs572337036, ClinGen allele CA10628047.